The following is an entry in ClinVar:

NM_002485.5(NBN):c.*2_*3del

Gene: NBN (nibrin; minus strand). Cytogenetic location: 8q21.3.
Variant type: Deletion.
Coding change: c.*2_*3del on transcript NM_002485.5 (MANE Select); 2 bases downstream of the stop codon through 3 bases downstream of the stop codon, 2 bases deleted (TG; older notation c.*2_*3delTG).
Molecular consequence: 3 prime UTR variant.
Genome position (GRCh38, 1-based): chr8:89,935,579-89,935,580, CA deleted on the plus strand (TG on the coding strand, the reverse complement: NBN is on the minus strand). VCF-style (leftmost placement, unchanged base first): chr8-89935578-TCA-T. GRCh37 (hg19) VCF-style: chr8-90947806-TCA-T.
Other names: c.*2_*3del (NM_001024688.3); c.*2_*3delTG (NM_002485.4).
Identifiers: ClinVar variation 422212 (VCV000422212.3), dbSNP rs1064795633, ClinGen allele CA16618695.

ClinVar aggregate classification (germline): Likely benign (1 of 4 stars; one submission).

Submission:

GeneDx
Classification: Likely benign. Last evaluated: 2016-09-07. Review status: criteria provided, single submitter. Criteria: GeneDx Variant Classification (06012015). Collection method: clinical testing. Allele origin: germline. Affected: yes.
Comment: This variant is considered likely benign or benign based on one or more of the following criteria: it is a conservative change, it occurs at a poorly conserved position in the protein, it is predicted to be benign by multiple in silico algorithms, and/or has population frequency not consistent with disease.